The following is an entry in ClinVar:

NM_004484.4(GPC3):c.608G>A (p.Arg203His)

Gene: GPC3 (glypican 3; minus strand). Cytogenetic location: Xq26.2.
Variant type: single nucleotide variant.
Coding change: c.608G>A on transcript NM_004484.4 (MANE Select); coding-DNA position 608, G replaced by A.
Protein change: p.Arg203His; replaces arginine 203 with histidine.
Molecular consequence: missense variant.
Genome position (GRCh38, 1-based): chrX:133,753,906, C>T on the plus strand (G>A on the coding strand, the complement: GPC3 is on the minus strand). VCF-style: chrX-133753906-C-T. GRCh37 (hg19) VCF-style: chrX-132887933-C-T.
Other names: c.608G>A, p.Arg203His (NM_001164617.2); c.560G>A, p.Arg187His (NM_001164618.2); c.446G>A, p.Arg149His (NM_001164619.2); short protein forms R203H, R149H, R187H.
Identifiers: ClinVar variation 476660 (VCV000476660.14), dbSNP rs375160737, ClinGen allele CA335981513.
Genomic context (GRCh38, chrX:133,753,906, plus strand): 5'-AGTGACTTGGAAACCTGGGTCATAATAAGCTTGGGGAAATTCCCAAATACTTTCAGGTCA[C>T]GTCTTGCTCCTCGGAGGCACTCATTGATGTCCAAGGCTGAATCAGGCAGGCCTGGGTTCA-3'
Protein context (NP_004475.1, residues 193-213): DINECLRGAR[Arg203His]DLKVFGNFPK

ClinVar aggregate classification (germline): Likely benign. Review status: criteria provided, multiple submitters, no conflicts (2 of 4 stars). 3 submissions from 3 submitters: Likely benign (2). 1 of the submissions does not count toward it. Last evaluated 2026-01-26.

Conditions:
GPC3-related disorder. Also called: GPC3-related condition.
Inborn genetic diseases. Identifiers: MedGen C0950123, MeSH D030342.
Wilms tumor 1 (WT1). Also called: Wilms tumor, somatic. Identifiers: Orphanet 654, MedGen CN033288, MONDO:0008679, OMIM 194070.

Allele frequency attached by ClinVar (database versions not stated): gnomAD exomes 0.00001 and 0.00002; gnomAD 0.00003; TOPMed 0.00008; ESP Exome Variant Server 0.00009.
gnomAD v4.1: 21 of 1,209,980 alleles (0.0017%); highest among the groups gnomAD compares: Admixed American, 0.0066%; no homozygotes.

Submissions (3):

Labcorp Genetics (formerly Invitae), Labcorp
Classification: Likely benign for Wilms tumor 1. Last evaluated: 2026-01-26. Review status: criteria provided, single submitter. Criteria: Invitae Variant Classification Sherloc (09022015). Collection method: clinical testing. Allele origin: germline.

Ambry Genetics
Classification: Likely benign for Inborn genetic diseases. Last evaluated: 2022-09-06. Review status: criteria provided, single submitter. Criteria: Ambry Variant Classification Scheme 2023. Collection method: clinical testing. Allele origin: germline.

PreventionGenetics, part of Exact Sciences
Classification: Likely benign for GPC3-related condition. Last evaluated: 2024-06-04. Review status: no assertion criteria provided. Collection method: clinical testing. Allele origin: germline. Not counted in ClinVar's aggregate classification.
Comment: This variant is classified as likely benign based on ACMG/AMP sequence variant interpretation guidelines (Richards et al. 2015 PMID: 25741868, with internal and published modifications).